The following is an entry in ClinVar:

ClinVar aggregate classification (germline): Uncertain significance (1 of 4 stars; one submission).

Conditions:
Pancreatic adenocarcinoma. Identifiers: MedGen C0281361, MONDO:0006047, HP:0006725.

gnomAD v4.1: 1 of 1,497,332 alleles (0.000067%); highest among the groups gnomAD compares: Non-Finnish European, 0.000089%; no homozygotes.

Submission:

Labcorp Genetics (formerly Invitae), Labcorp
Classification: Uncertain significance for Pancreatic adenocarcinoma. Last evaluated: 2025-09-24. Review status: criteria provided, single submitter. Criteria: Invitae Variant Classification Sherloc (09022015). Collection method: clinical testing. Allele origin: germline.
Comment: This sequence change replaces proline, which is neutral and non-polar, with leucine, which is neutral and non-polar, at codon 41 of the PALLD protein (p.Pro41Leu). This variant is not present in population databases (gnomAD no frequency). This variant has not been reported in the literature in individuals affected with PALLD-related conditions. An algorithm developed to predict the effect of missense changes on protein structure and function (PolyPhen-2) suggests that this variant is likely to be tolerated. In summary, the available evidence is currently insufficient to determine the role of this variant in disease. Therefore, it has been classified as a Variant of Uncertain Significance.

NM_001166108.2(PALLD):c.1965-12909C>T

Gene: PALLD (palladin, cytoskeletal associated protein; plus strand). Cytogenetic location: 4q32.3.
Variant type: single nucleotide variant.
Coding change: c.1965-12909C>T on transcript NM_001166108.2 (MANE Select); 12909 bases into the intron before coding-DNA position 1965, C replaced by T.
Molecular consequence: intron variant. On other transcripts: missense variant (1).
Genome position (GRCh38, 1-based): chr4:168,878,013, C>T. VCF-style: chr4-168878013-C-T. GRCh37 (hg19) VCF-style: chr4-169799164-C-T.
Other names: c.122C>T, p.Pro41Leu (NM_001166110.2); c.1965-12909C>T (NM_016081.4); c.819-12909C>T (NM_001166109.2); c.-157-12909C>T (NM_001367570.1, NM_001367568.1, NM_001367567.1 and 1 more transcripts); short protein forms P41L.
Identifiers: ClinVar variation 4702016 (VCV004702016.1).